The following is an entry in ClinVar:

ClinVar aggregate classification (germline): Uncertain significance (1 of 4 stars; one submission).

Conditions:
Cardiomyopathy (CMYO). Also called: Cardiomyopathies. Identifiers: Orphanet 167848, MedGen C0878544, MONDO:0004994, HP:0001638. Inheritance: Various modes of inheritance.

Submission:

Color Diagnostics, LLC DBA Color Health
Classification: Uncertain significance for Cardiomyopathy. Last evaluated: 2025-06-18. Review status: criteria provided, single submitter. Criteria: ACMG Guidelines, 2015. Collection method: clinical testing. Allele origin: germline.
Comment: This variant inserts 3 nucleotides in exon 13 of the DSC2 gene, creating a frameshift and premature translation stop signal. This variant is expected to result in an absent or non-functional protein product. To our knowledge, this variant has not been reported in individuals affected with DSC2-related disorders in the literature. This variant has not been identified in the general population by the Genome Aggregation Database (gnomAD). The role of loss-of-function DSC2 truncation variants in cardiovascular disorders is not clearly understood. The available evidence is insufficient to determine the role of this variant in disease conclusively. Therefore, this variant is classified as a Variant of Uncertain Significance.

NM_024422.6(DSC2):c.2125delinsAA (p.Cys709fs)

Gene: DSC2 (desmocollin 2; minus strand). Cytogenetic location: 18q12.1.
Variant type: Indel.
Coding change: c.2125delinsAA on transcript NM_024422.6 (MANE Select); coding-DNA position 2125, T replaced by AA.
Protein change: p.Cys709fs; shifts the reading frame from cysteine 709.
Molecular consequence: frameshift variant.
Genome position (GRCh38, 1-based): chr18:31,071,605, A replaced by TT on the plus strand (T replaced by AA on the coding strand, the reverse complement: DSC2 is on the minus strand). VCF-style: chr18-31071605-A-TT. GRCh37 (hg19) VCF-style: chr18-28651571-A-TT.
Other names: c.1696delinsAA, p.Cys566fs (NM_001406506.1, NM_001406507.1); c.2125delinsAA, p.Cys709fs (NM_004949.5); short protein forms C566fs, C709fs.
Identifiers: ClinVar variation 4756992 (VCV004756992.1).
Genomic context (GRCh38, chr18:31,071,605, plus strand): 5'-GTGTCTTGAAAGTTACTTTAAAGGGTATTATTTGAATTCAAGAAAGGACTTAAGACTTAC[A>TT]AAAGAGCAATGCTATGCCCAACAATATTGCAAGGATGGCCCACTTTCCAAGTTGTACTCC-3'